The following is an entry in ClinVar:

NM_032043.3(BRIP1):c.1473+20del

Gene: BRIP1 (BRCA1 interacting helicase 1; minus strand). Cytogenetic location: 17q23.2.
Variant type: Deletion.
Coding change: c.1473+20del on transcript NM_032043.3 (MANE Select); 20 bases into the intron after coding-DNA position 1473, one base deleted (T; older notation c.1473+20delT).
Molecular consequence: intron variant.
Genome position (GRCh38, 1-based): chr17:61,793,577, A deleted on the plus strand (T on the coding strand, the reverse complement: BRIP1 is on the minus strand). VCF-style (leftmost placement, unchanged base first): chr17-61793576-CA-C. GRCh37 (hg19) VCF-style: chr17-59870937-CA-C.
Other names: c.1473+20delT (NM_032043.2).
Identifiers: ClinVar variation 422778 (VCV000422778.1), dbSNP rs1064795990, ClinGen allele CA16620533.
Genomic context (GRCh38, chr17:61,793,576, plus strand): 5'-CTAGATTTAATCTGGATTTAGTCACGACTAAATCACTTCTAATTCACTAAATACGTTTCA[CA>C]GGTAGAAAAAATATCTTACCTGCAAAATGGGAAAAGTAGCAGTGGTGATACCCATTTTGT-3'

ClinVar aggregate classification (germline): Likely benign (1 of 4 stars; one submission).

Submission:

GeneDx
Classification: Likely benign. Last evaluated: 2016-11-18. Review status: criteria provided, single submitter. Criteria: GeneDx Variant Classification (06012015). Collection method: clinical testing. Allele origin: germline. Affected: yes.
Comment: This variant is considered likely benign or benign based on one or more of the following criteria: it is a conservative change, it occurs at a poorly conserved position in the protein, it is predicted to be benign by multiple in silico algorithms, and/or has population frequency not consistent with disease.